The following is an entry in ClinVar:

NM_016216.4(DBR1):c.902G>T (p.Arg301Leu)

Gene: DBR1 (debranching RNA lariats 1; minus strand). Cytogenetic location: 3q22.3.
Variant type: single nucleotide variant.
Coding change: c.902G>T on transcript NM_016216.4 (MANE Select); coding-DNA position 902, G replaced by T.
Protein change: p.Arg301Leu; replaces arginine 301 with leucine.
Molecular consequence: missense variant.
Genome position (GRCh38, 1-based): chr3:138,163,388, C>A on the plus strand (G>T on the coding strand, the complement: DBR1 is on the minus strand). VCF-style: chr3-138163388-C-A. GRCh37 (hg19) VCF-style: chr3-137882230-C-A.
Other names: short protein forms R301L.
Identifiers: ClinVar variation 1999203 (VCV001999203.4), dbSNP rs778482901, ClinGen allele CA83880088.

ClinVar aggregate classification (germline): Uncertain significance (1 of 4 stars; one submission).

gnomAD v4.1: 1 of 1,613,666 alleles (0.000062%); highest among the groups gnomAD compares: Non-Finnish European, 0.000085%; no homozygotes.

Submission:

Labcorp Genetics (formerly Invitae), Labcorp
Classification: Uncertain significance. Last evaluated: 2022-06-29. Review status: criteria provided, single submitter. Criteria: Invitae Variant Classification Sherloc (09022015). Collection method: clinical testing. Allele origin: germline.
Comment: In summary, the available evidence is currently insufficient to determine the role of this variant in disease. Therefore, it has been classified as a Variant of Uncertain Significance. This sequence change replaces arginine, which is basic and polar, with leucine, which is neutral and non-polar, at codon 301 of the DBR1 protein (p.Arg301Leu). This variant is not present in population databases (gnomAD no frequency). This variant has not been reported in the literature in individuals affected with DBR1-related conditions. Algorithms developed to predict the effect of missense changes on protein structure and function (SIFT, PolyPhen-2, Align-GVGD) all suggest that this variant is likely to be tolerated.